The following is an entry in ClinVar:

ClinVar aggregate classification (germline): Uncertain significance (1 of 4 stars; one submission).

Allele frequency attached by ClinVar (database versions not stated): TOPMed below 0.00001; gnomAD 0.00001; gnomAD exomes 0.00001 and 0.00007; ExAC 0.00006.
gnomAD v4.1: 14 of 1,549,236 alleles (0.0009%); highest among the groups gnomAD compares: Admixed American, 0.022%; no homozygotes.

Submission:

Labcorp Genetics (formerly Invitae), Labcorp
Classification: Uncertain significance. Last evaluated: 2023-10-03. Review status: criteria provided, single submitter. Criteria: Invitae Variant Classification Sherloc (09022015). Collection method: clinical testing. Allele origin: germline.
Comment: This sequence change replaces isoleucine, which is neutral and non-polar, with valine, which is neutral and non-polar, at codon 2055 of the OTOG protein (p.Ile2055Val). This variant is present in population databases (rs765128079, gnomAD 0.04%). This variant has not been reported in the literature in individuals affected with OTOG-related conditions. ClinVar contains an entry for this variant (Variation ID: 1488300). Algorithms developed to predict the effect of missense changes on protein structure and function output the following: SIFT: "Not Available"; PolyPhen-2: "Benign"; Align-GVGD: "Not Available". The valine amino acid residue is found in multiple mammalian species, which suggests that this missense change does not adversely affect protein function. Algorithms developed to predict the effect of sequence changes on RNA splicing suggest that this variant may create or strengthen a splice site. In summary, the available evidence is currently insufficient to determine the role of this variant in disease. Therefore, it has been classified as a Variant of Uncertain Significance.

NM_001292063.2(OTOG):c.6127A>G (p.Ile2043Val)

Gene: OTOG (otogelin; plus strand). Cytogenetic location: 11p15.1.
Variant type: single nucleotide variant.
Coding change: c.6127A>G on transcript NM_001292063.2 (MANE Select); coding-DNA position 6127, A replaced by G.
Protein change: p.Ile2043Val; replaces isoleucine 2043 with valine.
Molecular consequence: missense variant.
Genome position (GRCh38, 1-based): chr11:17,612,165, A>G. VCF-style: chr11-17612165-A-G. GRCh37 (hg19) VCF-style: chr11-17633712-A-G.
Other names: c.6163A>G, p.Ile2055Val (NM_001277269.2); short protein forms I2043V, I2055V.
Identifiers: ClinVar variation 1488300 (VCV001488300.7), dbSNP rs765128079, ClinGen allele CA5905995.